The following is an entry in ClinVar:

NM_001267550.2(TTN):c.94330T>C (p.Trp31444Arg)

Genes: TTN (titin; minus strand), TTN-AS1 (TTN antisense RNA 1; plus strand). Cytogenetic location: 2q31.2.
Variant type: single nucleotide variant.
Coding change: c.94330T>C on transcript NM_001267550.2 (MANE Select); coding-DNA position 94330, T replaced by C.
Protein change: p.Trp31444Arg; replaces tryptophan 31444 with arginine.
Molecular consequence: missense variant.
Genome position (GRCh38, 1-based): chr2:178,547,195, A>G on the plus strand (T>C on the coding strand, the complement: TTN is on the minus strand). VCF-style: chr2-178547195-A-G. GRCh37 (hg19) VCF-style: chr2-179411922-A-G.
Other names: c.89407T>C, p.Trp29803Arg (NM_001256850.1); c.67135T>C, p.Trp22379Arg (NM_003319.4); c.86626T>C, p.Trp28876Arg (NM_133378.4); c.67510T>C, p.Trp22504Arg (NM_133432.3); c.67711T>C, p.Trp22571Arg (NM_133437.4); short protein forms W22379R, W31444R, W22504R, W22571R, W29803R, W28876R.
Identifiers: ClinVar variation 518687 (VCV000518687.10), dbSNP rs533447102, ClinGen allele CA1987147.

ClinVar aggregate classification (germline): Uncertain significance. Review status: criteria provided, multiple submitters, no conflicts (2 of 4 stars). 4 submissions from 4 submitters: Uncertain significance (4). Last evaluated 2025-10-21.

Conditions:
TTN-related disorder. Also called: TTN-related condition; TTN-related disease; TTN-related disorders.
Cardiovascular phenotype. Identifiers: MedGen CN230736.

Allele frequency attached by ClinVar (database versions not stated): gnomAD 0.00001 and 0.00002; TOPMed 0.00001; gnomAD exomes 0.00002 and 0.00006; ExAC 0.00008; 1000 Genomes Project 30x 0.00016; 1000 Genomes Project 0.00020.
gnomAD v4.1: 36 of 1,613,818 alleles (0.0022%); highest among the groups gnomAD compares: South Asian, 0.034%; no homozygotes.

Submissions (4):

PreventionGenetics, part of Exact Sciences
Classification: Uncertain significance for TTN-related condition. Last evaluated: 2025-10-21. Review status: criteria provided, single submitter. Criteria: ACMG Guidelines, 2015. Collection method: clinical testing. Allele origin: germline.
Comment: The TTN c.94330T>C variant is predicted to result in the amino acid substitution p.Trp31444Arg. To our knowledge, this variant has not been reported in the literature or in a large population database (gnomAD), indicating this variant is rare. At this time, the clinical significance of this variant is uncertain due to the absence of conclusive functional and genetic evidence.

Women's Health and Genetics/Laboratory Corporation of America, LabCorp
Classification: Uncertain significance. Last evaluated: 2025-05-12. Review status: criteria provided, single submitter. Criteria: LabCorp Variant Classification Summary - May 2015. Collection method: clinical testing. Allele origin: germline.
Comment: Variant summary: TTN c.86626T>C (p.Trp28876Arg) results in a non-conservative amino acid change in the encoded protein sequence. Algorithms developed to predict the effect of missense changes on protein structure and function are either unavailable or do not agree on the potential impact of this missense change. The variant allele was found at a frequency of 2.2e-05 in 1613818 control chromosomes. This frequency is not significantly higher than estimated for a pathogenic variant in TTN causing Dilated Cardiomyopathy (2.2e-05 vs 0.00039), allowing no conclusion about variant significance. To our knowledge, no occurrence of c.86626T>C in individuals affected with TTN-related conditions and no experimental evidence demonstrating its impact on protein function have been reported. ClinVar contains an entry for this variant (Variation ID: 518687). Based on the evidence outlined above, the variant was classified as uncertain significance.

Revvity Omics, Revvity
Classification: Uncertain significance. Last evaluated: 2020-07-24. Review status: criteria provided, single submitter. Criteria: ACMG Guidelines, 2015. Collection method: clinical testing. Allele origin: germline.

Ambry Genetics
Classification: Uncertain significance for Cardiovascular phenotype. Last evaluated: 2017-07-19. Review status: criteria provided, single submitter. Criteria: Ambry Variant Classification Scheme 2023. Collection method: clinical testing. Allele origin: germline.
Comment: The p.W22379R variant (also known as c.67135T>C), located in coding exon 167 of the TTN gene, results from a T to C substitution at nucleotide position 67135. The tryptophan at codon 22379 is replaced by arginine, an amino acid with dissimilar properties. This amino acid position is highly conserved in available vertebrate species. In addition, the in silico prediction for this alteration is inconclusive. Since supporting evidence is limited at this time, the clinical significance of this alteration remains unclear.